The following is an entry in ClinVar:

NM_001282531.3(ADNP):c.1179_1180del (p.Leu394fs)

Gene: ADNP (activity dependent neuroprotector homeobox; minus strand). Cytogenetic location: 20q13.13.
Variant type: Deletion.
Coding change: c.1179_1180del on transcript NM_001282531.3 (MANE Select); coding-DNA positions 1179 to 1180, 2 bases deleted (CC; older notation c.1179_1180delCC).
Protein change: p.Leu394fs; shifts the reading frame from leucine 394.
Molecular consequence: frameshift variant.
Genome position (GRCh38, 1-based): chr20:50,893,534-50,893,535, GG deleted on the plus strand (CC on the coding strand, the reverse complement: ADNP is on the minus strand); deleting any 2 consecutive bases within chr20:50,893,534-50,893,536 gives the same sequence; the c. name uses the placement nearest the transcript's 3' end. VCF-style (leftmost placement, unchanged base first): chr20-50893533-AGG-A. GRCh37 (hg19) VCF-style: chr20-49510070-AGG-A.
Other names: c.1179_1180del, p.Leu394fs (NM_001282532.2, NM_001347511.2, NM_015339.5 and 1 more transcripts); short protein forms L394fs.
Identifiers: ClinVar variation 503933 (VCV000503933.2), dbSNP rs1555810401, ClinGen allele CA658799380.

ClinVar aggregate classification (germline): Likely pathogenic (1 of 4 stars; one submission).

Submission:

GeneDx
Classification: Likely pathogenic. Last evaluated: 2017-12-06. Review status: criteria provided, single submitter. Criteria: GeneDx Variant Classification (06012015). Collection method: clinical testing. Allele origin: germline. Affected: yes.
Comment: The c.1179_1180delCC variant has not been published as a pathogenic variant, nor has it been reported as a benign variant to our knowledge. The c.1179_1180delCC variant is not observed in large population cohorts (Lek et al., 2016). The c.1179_1180delCC variant causes a frameshift starting with codon Leucine 394, changes this amino acid to an Alanine residue, and creates a premature Stop codon at position 4 of the new reading frame, denoted p.Leu394AlafsX4. This variant is predicted to cause loss of normal protein function through protein truncation as the last 709 amino acids of the protein are lost and replaced with 3 incorrect amino acids. Therefore, this variant is likely pathogenic; however, the possibility that it is benign cannot be excluded.